The following is an entry in ClinVar:

ClinVar aggregate classification (germline): Likely benign. Review status: criteria provided, multiple submitters, no conflicts (2 of 4 stars). 2 submissions from 2 submitters: Likely benign (2). Last evaluated 2026-06-11.

Conditions:
TRIM37-related disorder. Also called: TRIM37-related condition.

Allele frequency attached by ClinVar (database versions not stated): ExAC 0.00002; TOPMed 0.00002; gnomAD 0.00003; gnomAD exomes 0.00006.
gnomAD v4.1: 95 of 1,613,876 alleles (0.0059%); highest among the groups gnomAD compares: Non-Finnish European, 0.0078%; no homozygotes.

Submissions (2):

PreventionGenetics, part of Exact Sciences
Classification: Likely benign for TRIM37-related condition. Last evaluated: 2026-06-11. Review status: criteria provided, single submitter. Criteria: ACMG Guidelines, 2015. Collection method: clinical testing. Allele origin: germline.
Comment: This variant is classified as likely benign based on ACMG/AMP sequence variant interpretation guidelines (Richards et al. 2015 PMID: 25741868, with internal and published modifications).

Labcorp Genetics (formerly Invitae), Labcorp
Classification: Likely benign. Last evaluated: 2023-08-02. Review status: criteria provided, single submitter. Criteria: Invitae Variant Classification Sherloc (09022015). Collection method: clinical testing. Allele origin: germline.

NM_015294.6(TRIM37):c.2715C>T (p.Asp905=)

Genes: TRIM37 (tripartite motif containing 37; minus strand), LOC126862606 (CDK7 strongly-dependent group 2 enhancer GRCh37_chr17:57078614-57079813; plus strand). Cytogenetic location: 17q22.
Variant type: single nucleotide variant.
Coding change: c.2715C>T on transcript NM_015294.6 (MANE Select); coding-DNA position 2715, C replaced by T.
Protein change: p.Asp905=; no amino-acid change (aspartic acid 905 retained).
Molecular consequence: synonymous variant. On other transcripts: non-coding transcript variant (2), intron variant (3).
Genome position (GRCh38, 1-based): chr17:59,001,695, G>A on the plus strand (C>T on the coding strand, the complement: TRIM37 is on the minus strand). VCF-style: chr17-59001695-G-A. GRCh37 (hg19) VCF-style: chr17-57079056-G-A.
Other names: c.2715C>T, p.Asp905= (NM_001005207.5); c.2613C>T, p.Asp871= (NM_001320987.3); c.2640C>T, p.Asp880= (NM_001353082.2); c.1980C>T, p.Asp660= (NM_001353083.2); c.2742C>T, p.Asp914= (NM_001353084.2); c.2253C>T, p.Asp751= (NM_001353085.2); c.2664C>T, p.Asp888= (NM_001353086.2); c.2696-2236C>T (NM_001320989.3, NM_001320988.3); and 2 more.
Identifiers: ClinVar variation 2166911 (VCV002166911.5), dbSNP rs773350718, ClinGen allele CA8677956.